The following is an entry in ClinVar:

NM_015139.3(SLC35D1):c.586G>A (p.Val196Ile)

Gene: SLC35D1 (solute carrier family 35 member D1; minus strand). Cytogenetic location: 1p31.3.
Variant type: single nucleotide variant.
Coding change: c.586G>A on transcript NM_015139.3 (MANE Select); coding-DNA position 586, G replaced by A.
Protein change: p.Val196Ile; replaces valine 196 with isoleucine.
Molecular consequence: missense variant.
Genome position (GRCh38, 1-based): chr1:67,047,315, C>T on the plus strand (G>A on the coding strand, the complement: SLC35D1 is on the minus strand). VCF-style: chr1-67047315-C-T. GRCh37 (hg19) VCF-style: chr1-67512998-C-T.
Other names: short protein forms V196I.
Identifiers: ClinVar variation 1214190 (VCV001214190.7), dbSNP rs148581417, ClinGen allele CA898970.

ClinVar aggregate classification (germline): Uncertain significance. Review status: criteria provided, multiple submitters, no conflicts (2 of 4 stars). 3 submissions from 3 submitters: Uncertain significance (3). Last evaluated 2025-08-18.

Conditions:
Schneckenbecken dysplasia. Identifiers: Orphanet 3144, MedGen C0432194, MONDO:0010013, OMIM 269250.
Inborn genetic diseases. Identifiers: MedGen C0950123, MeSH D030342.

Allele frequency attached by ClinVar (database versions not stated): ExAC 0.00015; ESP Exome Variant Server 0.00015; gnomAD exomes 0.00017 and 0.00028; gnomAD 0.00020 and 0.00021; TOPMed 0.00023.
gnomAD v4.1: 443 of 1,613,368 alleles (0.027%); highest among the groups gnomAD compares: Admixed American, 0.047%; no homozygotes.

Submissions (3):

GeneDx
Classification: Uncertain significance. Last evaluated: 2025-08-18. Review status: criteria provided, single submitter. Criteria: GeneDx Variant Classification Process June 2021. Collection method: clinical testing. Allele origin: germline. Affected: yes.
Comment: In silico analysis suggests that this missense variant does not alter protein structure/function; Has not been previously published as pathogenic or benign to our knowledge

Labcorp Genetics (formerly Invitae), Labcorp
Classification: Uncertain significance for Schneckenbecken dysplasia. Last evaluated: 2022-09-27. Review status: criteria provided, single submitter. Criteria: Invitae Variant Classification Sherloc (09022015). Collection method: clinical testing. Allele origin: germline.
Comment: This sequence change replaces valine, which is neutral and non-polar, with isoleucine, which is neutral and non-polar, at codon 196 of the SLC35D1 protein (p.Val196Ile). This variant is present in population databases (rs148581417, gnomAD 0.03%). This variant has not been reported in the literature in individuals affected with SLC35D1-related conditions. ClinVar contains an entry for this variant (Variation ID: 1214190). Advanced modeling of protein sequence and biophysical properties (such as structural, functional, and spatial information, amino acid conservation, physicochemical variation, residue mobility, and thermodynamic stability) performed at Invitae indicates that this missense variant is not expected to disrupt SLC35D1 protein function. In summary, the available evidence is currently insufficient to determine the role of this variant in disease. Therefore, it has been classified as a Variant of Uncertain Significance.

Ambry Genetics
Classification: Uncertain significance for Inborn genetic diseases. Last evaluated: 2021-09-16. Review status: criteria provided, single submitter. Criteria: Ambry General Variant Classification Scheme_2022. Collection method: clinical testing. Allele origin: germline. Observed: 1 variant allele.